The following is an entry in ClinVar:

NM_003491.4(NAA10):c.429C>T (p.Asp143=)

Gene: NAA10 (N-alpha-acetyltransferase 10, NatA catalytic subunit; minus strand). Cytogenetic location: Xq28.
Variant type: single nucleotide variant.
Coding change: c.429C>T on transcript NM_003491.4 (MANE Select); coding-DNA position 429, C replaced by T.
Protein change: p.Asp143=; no amino-acid change (aspartic acid 143 retained).
Molecular consequence: synonymous variant.
Genome position (GRCh38, 1-based): chrX:153,930,805, G>A on the plus strand (C>T on the coding strand, the complement: NAA10 is on the minus strand). VCF-style: chrX-153930805-G-A. GRCh37 (hg19) VCF-style: chrX-153196258-G-A.
Other names: c.384C>T, p.Asp128= (NM_001256119.2); c.411C>T, p.Asp137= (NM_001256120.2).
Identifiers: ClinVar variation 746084 (VCV000746084.33), dbSNP rs369724464, ClinGen allele CA10556145.

ClinVar aggregate classification (germline): Likely benign. Review status: criteria provided, multiple submitters, no conflicts (2 of 4 stars). 3 submissions from 3 submitters: Likely benign (2). 1 of the submissions does not count toward it. Last evaluated 2024-03-11.

Conditions:
NAA10-related disorder. Also called: NAA10-related condition; NAA10-related disorders.

Allele frequency attached by ClinVar (database versions not stated): gnomAD 0.00002; gnomAD exomes 0.00003 and 0.00004; TOPMed 0.00004; ExAC 0.00005.
gnomAD v4.1: 45 of 1,210,261 alleles (0.0037%); highest among the groups gnomAD compares: East Asian, 0.092%; no homozygotes.

Submissions (3):

Labcorp Genetics (formerly Invitae), Labcorp
Classification: Likely benign. Last evaluated: 2024-03-11. Review status: criteria provided, single submitter. Criteria: Invitae Variant Classification Sherloc (09022015). Collection method: clinical testing. Allele origin: germline.

CeGaT Center for Human Genetics Tuebingen
Classification: Likely benign. Last evaluated: 2023-02-01. Review status: criteria provided, single submitter. Criteria: CeGaT Center For Human Genetics Tuebingen Variant Classification Criteria Version 2. Collection method: clinical testing. Allele origin: germline. Affected: yes. Observed: 1 variant allele.
Comment: NAA10: BP4, BP7, BS2

PreventionGenetics, part of Exact Sciences
Classification: Likely benign for NAA10-related condition. Last evaluated: 2023-07-27. Review status: no assertion criteria provided. Collection method: clinical testing. Allele origin: germline. Not counted in ClinVar's aggregate classification.
Comment: This variant is classified as likely benign based on ACMG/AMP sequence variant interpretation guidelines (Richards et al. 2015 PMID: 25741868, with internal and published modifications).